The following is an entry in ClinVar:

NM_133496.5(SLC30A7):c.556G>A (p.Ala186Thr)

Gene: SLC30A7 (solute carrier family 30 member 7; plus strand). Cytogenetic location: 1p21.2.
Variant type: single nucleotide variant.
Coding change: c.556G>A on transcript NM_133496.5 (MANE Select); coding-DNA position 556, G replaced by A.
Protein change: p.Ala186Thr; replaces alanine 186 with threonine.
Molecular consequence: missense variant.
Genome position (GRCh38, 1-based): chr1:100,913,707, G>A. VCF-style: chr1-100913707-G-A. GRCh37 (hg19) VCF-style: chr1-101379263-G-A.
Other names: c.556G>A, p.Ala186Thr (NM_001144884.2); short protein forms A186T.
Identifiers: ClinVar variation 1465500 (VCV001465500.8), dbSNP rs141366201, ClinGen allele CA972127.

ClinVar aggregate classification (germline): Uncertain significance (1 of 4 stars; one submission).

Allele frequency attached by ClinVar (database versions not stated): ESP Exome Variant Server 0.00008; gnomAD 0.00009 and 0.00013; TOPMed 0.00020; gnomAD exomes 0.00022 and 0.00027; ExAC 0.00027.
gnomAD v4.1: 354 of 1,613,846 alleles (0.022%); highest among the groups gnomAD compares: Middle Eastern, 0.33%; 3 homozygotes.

Submission:

Labcorp Genetics (formerly Invitae), Labcorp
Classification: Uncertain significance. Last evaluated: 2025-10-04. Review status: criteria provided, single submitter. Criteria: Invitae Variant Classification Sherloc (09022015). Collection method: clinical testing. Allele origin: germline.
Comment: This sequence change replaces alanine, which is neutral and non-polar, with threonine, which is neutral and polar, at codon 186 of the SLC30A7 protein (p.Ala186Thr). This variant is present in population databases (rs141366201, gnomAD 0.08%), and has an allele count higher than expected for a pathogenic variant. This variant has not been reported in the literature in individuals affected with SLC30A7-related conditions. ClinVar contains an entry for this variant (Variation ID: 1465500). An algorithm developed to predict the effect of missense changes on protein structure and function outputs the following: PolyPhen-2: "Benign". The threonine amino acid residue is found in multiple mammalian species, which suggests that this missense change does not adversely affect protein function. In summary, the available evidence is currently insufficient to determine the role of this variant in disease. Therefore, it has been classified as a Variant of Uncertain Significance.